The following is an entry in ClinVar:

NM_001006658.3(CR2):c.2030C>T (p.Thr677Met)

Gene: CR2 (complement C3d receptor 2; plus strand). Cytogenetic location: 1q32.2.
Variant type: single nucleotide variant.
Coding change: c.2030C>T on transcript NM_001006658.3 (MANE Select); coding-DNA position 2030, C replaced by T.
Protein change: p.Thr677Met; replaces threonine 677 with methionine.
Molecular consequence: missense variant. On other transcripts: intron variant (1).
Genome position (GRCh38, 1-based): chr1:207,473,596, C>T. VCF-style: chr1-207473596-C-T. GRCh37 (hg19) VCF-style: chr1-207646941-C-T.
Other names: c.1979-205C>T (NM_001877.5); c.2030C>T (NM_001006658.2); short protein forms T677M.
Identifiers: ClinVar variation 626091 (VCV000626091.8), dbSNP rs142648420, ClinGen allele CA1368865.
Genomic context (GRCh38, chr1:207,473,596, plus strand): 5'-TCTCTTCAGGCTGCCAGTCACCTCCTGGGCTCCACCATGGTCGTCATACAGGTGGAAATA[C>T]GGTCTTCTTTGTCTCTGGGATGACTGTAGACTACACTTGTGACCCTGGCTATTTGCTTGT-3'
Protein context (NP_001006659.1, residues 667-687): LHHGRHTGGN[Thr677Met]VFFVSGMTVD

ClinVar aggregate classification (germline): Conflicting classifications of pathogenicity. Review status: criteria provided, conflicting classifications (1 of 4 stars). 5 submissions from 5 submitters: Uncertain significance (3); Likely benign (2). Last evaluated 2025-01-18.

Conditions:
Immunodeficiency, common variable, 7. Identifiers: Orphanet 1572, Orphanet 696894, MedGen C3542922, MONDO:0013862, OMIM 614699.
Systemic lupus erythematosus, susceptibility to, 9. Also called: Systemic lupus erythematosus 9. Identifiers: MedGen C1970455, MONDO:0012584, OMIM 610927.
Inborn genetic diseases. Identifiers: MedGen C0950123, MeSH D030342.

Allele frequency attached by ClinVar (database versions not stated): gnomAD exomes 0.00018; ExAC 0.00024; 1000 Genomes Project 30x 0.00031; 1000 Genomes Project 0.00040; gnomAD 0.00049 and 0.00056; TOPMed 0.00065; ESP Exome Variant Server 0.00069.
gnomAD v4.1: 250 of 1,613,950 alleles (0.015%); highest among the groups gnomAD compares: African/African-American, 0.13%; 1 homozygote.

Submissions (5):

Ambry Genetics
Classification: Likely benign for Inborn genetic diseases. Last evaluated: 2025-01-18. Review status: criteria provided, single submitter. Criteria: Ambry Variant Classification Scheme 2023. Collection method: clinical testing. Allele origin: germline.

Blueprint Genetics
Classification: Likely benign. Last evaluated: 2024-10-18. Review status: criteria provided, single submitter. Criteria: ACMG Guidelines, 2015. Collection method: clinical testing. Allele origin: germline.

Genome-Nilou Lab
Classification: Uncertain significance for Immunodeficiency, common variable, 7. Last evaluated: 2023-04-11. Review status: criteria provided, single submitter. Criteria: ACMG Guidelines, 2015. Collection method: clinical testing. Allele origin: germline. Affected: no.

Labcorp Genetics (formerly Invitae), Labcorp
Classification: Uncertain significance for Immunodeficiency, common variable, 7. Last evaluated: 2022-07-03. Review status: criteria provided, single submitter. Criteria: Invitae Variant Classification Sherloc (09022015). Collection method: clinical testing. Allele origin: germline.
Comment: This sequence change replaces threonine, which is neutral and polar, with methionine, which is neutral and non-polar, at codon 677 of the CR2 protein (p.Thr677Met). This variant is present in population databases (rs142648420, gnomAD 0.2%). This variant has not been reported in the literature in individuals affected with CR2-related conditions. ClinVar contains an entry for this variant (Variation ID: 626091). Algorithms developed to predict the effect of missense changes on protein structure and function output the following: SIFT: "Tolerated"; PolyPhen-2: "Benign"; Align-GVGD: "Class C0". The methionine amino acid residue is found in multiple mammalian species, which suggests that this missense change does not adversely affect protein function. In summary, the available evidence is currently insufficient to determine the role of this variant in disease. Therefore, it has been classified as a Variant of Uncertain Significance.

Center for Genomics, Ann and Robert H. Lurie Children's Hospital of Chicago
Classification: Uncertain significance for Systemic lupus erythematosus, susceptibility to, 9; Immunodeficiency, common variable, 7. Review status: criteria provided, single submitter. Criteria: ACMG Guidelines, 2015. Collection method: clinical testing. Allele origin: germline.
Comment: CR2 NM_001006658 exon 11 p.Thr677Met (c.2030C>T): This variant has not been reported in the literature but is present in 0.1% (40/24030) of African alleles, including 1 homozygote in the Genome Aggregation Database. This variant amino acid Methionine (Met) is present in several species and is not well conserved among evolutionarily distant species; this suggests that this variant may not impact the protein. Additional computational prediction tools do not suggest an impact. In summary, data on this variant is insufficient for disease classification. Therefore, the clinical significance of this variant is uncertain.